The following is an entry in ClinVar:

ClinVar aggregate classification (germline): Uncertain significance (1 of 4 stars; one submission).

Submission:

GeneDx
Classification: Uncertain significance. Last evaluated: 2014-03-14. Review status: criteria provided, single submitter. Criteria: GeneDx Variant Classification (06012015). Collection method: clinical testing. Allele origin: germline. Affected: yes.
Comment: The F308I variant in the EFHC1 gene has not been published as a mutation, nor has it been reported as a benign polymorphism to our knowledge. It was not observed in approximately 6,000 individuals of European and African American ancestry in the NHLBI Exome Sequencing Project, indicating it is not a common benign variant in these populations. The F308I variant is a conservative amino acid substitution, which is not likely to impact secondary protein structure as these residues share similar properties. It occurs at a position that is conserved across species. In silico analysis is inconsistent in its predictions as to whether or not the variant is damaging to the protein structure/function. The variant is found in EPILEPSY panel(s).

NM_018100.4(EFHC1):c.922T>A (p.Phe308Ile)

Gene: EFHC1 (EF-hand domain containing 1; plus strand). Cytogenetic location: 6p12.2.
Variant type: single nucleotide variant.
Coding change: c.922T>A on transcript NM_018100.4 (MANE Select); coding-DNA position 922, T replaced by A.
Protein change: p.Phe308Ile; replaces phenylalanine 308 with isoleucine.
Molecular consequence: missense variant. On other transcripts: non-coding transcript variant (1).
Genome position (GRCh38, 1-based): chr6:52,464,900, T>A. VCF-style: chr6-52464900-T-A. GRCh37 (hg19) VCF-style: chr6-52329698-T-A.
Other names: p.F308I:TTC>ATC; c.865T>A, p.Phe289Ile (NM_001172420.2); short protein forms F308I, F289I.
Identifiers: ClinVar variation 205399 (VCV000205399.2), dbSNP rs796052416, ClinGen allele CA314434.